The following is an entry in ClinVar:

NM_003331.5(TYK2):c.352C>T (p.Arg118Trp)

Gene: TYK2 (tyrosine kinase 2; minus strand). Cytogenetic location: 19p13.2.
Variant type: single nucleotide variant.
Coding change: c.352C>T on transcript NM_003331.5 (MANE Select); coding-DNA position 352, C replaced by T.
Protein change: p.Arg118Trp; replaces arginine 118 with tryptophan.
Molecular consequence: missense variant.
Genome position (GRCh38, 1-based): chr19:10,368,168, G>A on the plus strand (C>T on the coding strand, the complement: TYK2 is on the minus strand). VCF-style: chr19-10368168-G-A. GRCh37 (hg19) VCF-style: chr19-10478844-G-A.
Other names: c.352C>T, p.Arg118Trp (NM_001385197.1, NM_001385198.1, NM_001385199.1 and 9 more transcripts); short protein forms R118W.
Identifiers: ClinVar variation 2085219 (VCV002085219.5), dbSNP rs138742402, ClinGen allele CA9193761.

ClinVar aggregate classification (germline): Uncertain significance. Review status: criteria provided, single submitter (1 of 4 stars). 2 submissions from 2 submitters: Uncertain significance (1). 1 of the submissions does not count toward it. Last evaluated 2026-01-14.

Conditions:
TYK2-related disorder. Also called: TYK2-related condition.
Immunodeficiency 35 (IMD35). Also called: TYK2 DEFICIENCY; HIES WITH ATYPICAL MYCOBACTERIOSIS, AUTOSOMAL RECESSIVE; HYPER-IgE SYNDROME WITH ATYPICAL MYCOBACTERIOSIS, AUTOSOMAL RECESSIVE; Susceptibility to infection due to TYK2 deficiency. Identifiers: Orphanet 331226, MedGen C1969086, MONDO:0012682, OMIM 611521.

Allele frequency attached by ClinVar (database versions not stated): ESP Exome Variant Server 0.00008; gnomAD 0.00010; ExAC 0.00012.
gnomAD v4.1: 75 of 1,614,014 alleles (0.0046%); highest among the groups gnomAD compares: African/African-American, 0.017%; no homozygotes.

Submissions (2):

Labcorp Genetics (formerly Invitae), Labcorp
Classification: Uncertain significance for Immunodeficiency 35. Last evaluated: 2026-01-14. Review status: criteria provided, single submitter. Criteria: Invitae Variant Classification Sherloc (09022015). Collection method: clinical testing. Allele origin: germline.
Comment: This sequence change replaces arginine, which is basic and polar, with tryptophan, which is neutral and slightly polar, at codon 118 of the TYK2 protein (p.Arg118Trp). This variant is present in population databases (rs138742402, gnomAD 0.02%). This variant has not been reported in the literature in individuals affected with TYK2-related conditions. ClinVar contains an entry for this variant (Variation ID: 2085219). An algorithm developed to predict the effect of missense changes on protein structure and function (PolyPhen-2) suggests that this variant is likely to be disruptive. In summary, the available evidence is currently insufficient to determine the role of this variant in disease. Therefore, it has been classified as a Variant of Uncertain Significance.

PreventionGenetics, part of Exact Sciences
Classification: Uncertain significance for TYK2-related condition. Last evaluated: 2023-11-27. Review status: no assertion criteria provided. Collection method: clinical testing. Allele origin: germline. Not counted in ClinVar's aggregate classification.
Comment: The TYK2 c.352C>T variant is predicted to result in the amino acid substitution p.Arg118Trp. To our knowledge, this variant has not been reported in the literature. This variant is reported in 0.016% of alleles in individuals of African descent in gnomAD. At this time, the clinical significance of this variant is uncertain due to the absence of conclusive functional and genetic evidence.